The following is an entry in ClinVar:

ClinVar aggregate classification (germline): Uncertain significance (1 of 4 stars; one submission).

Conditions:
Developmental and epileptic encephalopathy, 23 (DEE23). Also called: Epileptic encephalopathy, early infantile, 23. Identifiers: Orphanet 411986, MedGen C4014492, MONDO:0014371, OMIM 615859.

Submission:

Labcorp Genetics (formerly Invitae), Labcorp
Classification: Uncertain significance for Developmental and epileptic encephalopathy, 23. Last evaluated: 2022-07-12. Review status: criteria provided, single submitter. Criteria: Invitae Variant Classification Sherloc (09022015). Collection method: clinical testing. Allele origin: germline.
Comment: This variant is not present in population databases (gnomAD no frequency). In summary, the available evidence is currently insufficient to determine the role of this variant in disease. Therefore, it has been classified as a Variant of Uncertain Significance. Algorithms developed to predict the effect of missense changes on protein structure and function are either unavailable or do not agree on the potential impact of this missense change (SIFT: "Tolerated"; PolyPhen-2: "Probably Damaging"; Align-GVGD: "Class C0"). ClinVar contains an entry for this variant (Variation ID: 843776). This variant has not been reported in the literature in individuals affected with DOCK7-related conditions. This sequence change replaces glutamine, which is neutral and polar, with glutamic acid, which is acidic and polar, at codon 1990 of the DOCK7 protein (p.Gln1990Glu).

NM_001367561.1(DOCK7):c.6001C>G (p.Gln2001Glu)

Gene: DOCK7 (dedicator of cytokinesis 7; minus strand). Cytogenetic location: 1p31.3.
Variant type: single nucleotide variant.
Coding change: c.6001C>G on transcript NM_001367561.1 (MANE Select); coding-DNA position 6001, C replaced by G.
Protein change: p.Gln2001Glu; replaces glutamine 2001 with glutamic acid.
Molecular consequence: missense variant.
Genome position (GRCh38, 1-based): chr1:62,475,312, G>C on the plus strand (C>G on the coding strand, the complement: DOCK7 is on the minus strand). VCF-style: chr1-62475312-G-C. GRCh37 (hg19) VCF-style: chr1-62940983-G-C.
Other names: c.5968C>G, p.Gln1990Glu (NM_001271999.2); c.5881C>G, p.Gln1961Glu (NM_001272000.2); c.5875C>G, p.Gln1959Glu (NM_001272001.2); c.5974C>G, p.Gln1992Glu (NM_001330614.2); c.5908C>G, p.Gln1970Glu (NM_033407.4); short protein forms Q1990E, Q2001E, Q1961E, Q1992E, Q1959E, Q1970E.
Identifiers: ClinVar variation 843776 (VCV000843776.13), dbSNP rs1645937525, ClinGen allele CA340602364.